The following is an entry in ClinVar:

NM_001199107.2(TBC1D24):c.581C>T (p.Ala194Val)

Gene: TBC1D24 (TBC1 domain family member 24; plus strand). Cytogenetic location: 16p13.3.
Variant type: single nucleotide variant.
Coding change: c.581C>T on transcript NM_001199107.2 (MANE Select); coding-DNA position 581, C replaced by T.
Protein change: p.Ala194Val; replaces alanine 194 with valine.
Molecular consequence: missense variant.
Genome position (GRCh38, 1-based): chr16:2,496,729, C>T. VCF-style: chr16-2496729-C-T. GRCh37 (hg19) VCF-style: chr16-2546730-C-T.
Other names: c.581C>T, p.Ala194Val (NM_020705.3); short protein forms A194V.
Identifiers: ClinVar variation 1704049 (VCV001704049.2), dbSNP rs1189917867, ClinGen allele CA394376657.

ClinVar aggregate classification (germline): Uncertain significance (1 of 4 stars; one submission).

Submission:

GeneDx
Classification: Uncertain significance. Last evaluated: 2022-02-28. Review status: criteria provided, single submitter. Criteria: GeneDx Variant Classification Process June 2021. Collection method: clinical testing. Allele origin: germline. Affected: yes.
Comment: Not observed at significant frequency in large population cohorts (gnomAD); In silico analysis supports that this missense variant does not alter protein structure/function; Has not been previously published as pathogenic or benign to our knowledge